The following is an entry in ClinVar:

ClinVar aggregate classification (germline): Uncertain significance (1 of 4 stars; one submission).

Allele frequency attached by ClinVar (database versions not stated): gnomAD exomes 0.00006; gnomAD 0.00007; TOPMed 0.00007.
gnomAD v4.1: 92 of 1,613,704 alleles (0.0057%); highest among the groups gnomAD compares: Middle Eastern, 0.016%; no homozygotes.

Submission:

Labcorp Genetics (formerly Invitae), Labcorp
Classification: Uncertain significance. Last evaluated: 2025-05-05. Review status: criteria provided, single submitter. Criteria: Invitae Variant Classification Sherloc (09022015). Collection method: clinical testing. Allele origin: germline.
Comment: This sequence change replaces aspartic acid, which is acidic and polar, with asparagine, which is neutral and polar, at codon 5500 of the HMCN1 protein (p.Asp5500Asn). This variant is present in population databases (rs772909507, gnomAD 0.005%). This variant has not been reported in the literature in individuals affected with HMCN1-related conditions. ClinVar contains an entry for this variant (Variation ID: 1363851). An algorithm developed to predict the effect of missense changes on protein structure and function (PolyPhen-2) suggests that this variant is likely to be tolerated. In summary, the available evidence is currently insufficient to determine the role of this variant in disease. Therefore, it has been classified as a Variant of Uncertain Significance.

NM_031935.3(HMCN1):c.16498G>A (p.Asp5500Asn)

Genes: HMCN1 (hemicentin 1; plus strand), LOC126805953 (P300/CBP strongly-dependent group 1 enhancer GRCh37_chr1:186156636-186157835; plus strand). Cytogenetic location: 1q31.1.
Variant type: single nucleotide variant.
Coding change: c.16498G>A on transcript NM_031935.3 (MANE Select); coding-DNA position 16498, G replaced by A.
Protein change: p.Asp5500Asn; replaces aspartic acid 5500 with asparagine.
Molecular consequence: missense variant.
Genome position (GRCh38, 1-based): chr1:186,187,966, G>A. VCF-style: chr1-186187966-G-A. GRCh37 (hg19) VCF-style: chr1-186157098-G-A.
Other names: short protein forms D5500N.
Identifiers: ClinVar variation 1363851 (VCV001363851.6), dbSNP rs772909507, ClinGen allele CA1295579.